The following is an entry in ClinVar:

NM_015949.3(GET4):c.921C>T (p.Gly307=)

Gene: GET4 (guided entry of tail-anchored proteins factor 4; plus strand). Cytogenetic location: 7p22.3.
Variant type: single nucleotide variant.
Coding change: c.921C>T on transcript NM_015949.3 (MANE Select); coding-DNA position 921, C replaced by T.
Protein change: p.Gly307=; no amino-acid change (glycine 307 retained).
Molecular consequence: synonymous variant.
Genome position (GRCh38, 1-based): chr7:895,359, C>T. VCF-style: chr7-895359-C-T. GRCh37 (hg19) VCF-style: chr7-934996-C-T.
Identifiers: ClinVar variation 4534560 (VCV004534560.6).

ClinVar aggregate classification (germline): Likely benign (1 of 4 stars; one submission).

gnomAD v4.1: 27 of 1,591,372 alleles (0.0017%); highest among the groups gnomAD compares: Non-Finnish European, 0.0022%; no homozygotes.

Submission:

CeGaT Center for Human Genetics Tuebingen
Classification: Likely benign. Last evaluated: 2025-11-01. Review status: criteria provided, single submitter. Criteria: CeGaT Center For Human Genetics Tuebingen Variant Classification Criteria Version 2. Collection method: clinical testing. Allele origin: germline. Affected: yes. Observed: 1 variant allele.
Comment: GET4: BP4, BP7